The following is an entry in ClinVar:

NM_000138.5(FBN1):c.8169C>T (p.Tyr2723=)

Gene: FBN1 (fibrillin 1; minus strand). Cytogenetic location: 15q21.1.
Variant type: single nucleotide variant.
Coding change: c.8169C>T on transcript NM_000138.5 (MANE Select); coding-DNA position 8169, C replaced by T.
Protein change: p.Tyr2723=; no amino-acid change (tyrosine 2723 retained).
Molecular consequence: synonymous variant.
Genome position (GRCh38, 1-based): chr15:48,412,626, G>A on the plus strand (C>T on the coding strand, the complement: FBN1 is on the minus strand). VCF-style: chr15-48412626-G-A. GRCh37 (hg19) VCF-style: chr15-48704823-G-A.
Identifiers: ClinVar variation 921375 (VCV000921375.5), dbSNP rs768231402, ClinGen allele CA490014640.

ClinVar aggregate classification (germline): Likely benign. Review status: criteria provided, multiple submitters, no conflicts (2 of 4 stars). 3 submissions from 3 submitters: Likely benign (3). Last evaluated 2024-08-06.

Conditions:
Marfan syndrome (MFS). Also called: Marfan syndrome, classic; Marfan syndrome type 1; Marfan's syndrome; FBN1-Related Marfan Syndrome; MARFAN SYNDROME, TYPE I. Identifiers: Orphanet 284963, Orphanet 558, MedGen C0024796, MONDO:0007947, OMIM 154700.
Familial thoracic aortic aneurysm and aortic dissection (TAAD). Also called: Thoracic aortic aneurysms and dissections. Identifiers: Orphanet 91387, MedGen C4707243, MONDO:0019625.

Allele frequency attached by ClinVar (database versions not stated): gnomAD exomes below 0.00001.
gnomAD v4.1: 1 of 1,614,240 alleles (0.000062%); highest among the groups gnomAD compares: Non-Finnish European, 0.000085%; no homozygotes.

Submissions (3):

All of Us Research Program, National Institutes of Health
Classification: Likely benign for Marfan syndrome. Last evaluated: 2024-08-06. Review status: criteria provided, single submitter. Criteria: ACMG Guidelines, 2015. Collection method: clinical testing. Allele origin: germline. Inheritance: Autosomal dominant inheritance. Observed: 1 variant allele, 1 heterozygote.
Comment: This study involves interpretation of variants in research participants for the purpose of population health screening. Participant phenotype was not available at the time of variant classification. Additional details can be found in publication PMID: 35346344, PMCID: PMC8962531

Ambry Genetics
Classification: Likely benign for Familial thoracic aortic aneurysm and aortic dissection. Last evaluated: 2023-03-11. Review status: criteria provided, single submitter. Criteria: Ambry Variant Classification Scheme 2023. Collection method: clinical testing. Allele origin: germline.

Color Diagnostics, LLC DBA Color Health
Classification: Likely benign for Familial thoracic aortic aneurysm and aortic dissection. Last evaluated: 2019-08-14. Review status: criteria provided, single submitter. Criteria: ACMG Guidelines, 2015. Collection method: clinical testing. Allele origin: germline.